The following is an entry in ClinVar:

ClinVar aggregate classification (germline): Uncertain significance (1 of 4 stars; one submission).

Conditions:
Primary ciliary dyskinesia 7. Also called: CILIARY DYSKINESIA, PRIMARY, 7, WITH OR WITHOUT SITUS INVERSUS. Identifiers: Orphanet 244, MedGen C2678473, MONDO:0012748, OMIM 611884.

gnomAD v4.1: 1 of 1,613,928 alleles (0.000062%); highest among the groups gnomAD compares: Non-Finnish European, 0.000085%; no homozygotes.

Submission:

Broad Center for Mendelian Genomics, Broad Institute of MIT and Harvard
Classification: Uncertain significance for Primary ciliary dyskinesia 7. Last evaluated: 2025-02-20. Review status: criteria provided, single submitter. Criteria: ACMG Guidelines, 2015. Collection method: curation. Allele origin: germline. Inheritance: Autosomal recessive inheritance.
Comment: The p.Leu4354His variant in DNAH11 has been reported, in the compound heterozygous state, in 1 individual with primary ciliary dyskinesia (PMID: 22184204), and has been identified in 0.00008% (1/1179856) of European (non-Finnish) chromosomes by the Genome Aggregation Database (gnomAD; dbSNP rs72658827). Although this variant has been seen in the general population in a heterozygous state, its frequency is low enough to be consistent with a recessive carrier frequency. Computational prediction tools and conservation analyses do not provide strong support for or against an impact to the protein. In summary, the clinical significance of the p.Leu4354His variant is uncertain. ACMG/AMP Criteria applied: PM3, PM2_supporting (Richards 2015).

NM_001277115.2(DNAH11):c.13061T>A (p.Leu4354His)

Genes: DNAH11 (dynein axonemal heavy chain 11; plus strand), LOC126859962 (BRD4-independent group 4 enhancer GRCh37_chr7:21937780-21938979; plus strand). Cytogenetic location: 7p15.3.
Variant type: single nucleotide variant.
Coding change: c.13061T>A on transcript NM_001277115.2 (MANE Select); coding-DNA position 13061, T replaced by A.
Protein change: p.Leu4354His; replaces leucine 4354 with histidine.
Molecular consequence: missense variant.
Genome position (GRCh38, 1-based): chr7:21,899,347, T>A. VCF-style: chr7-21899347-T-A. GRCh37 (hg19) VCF-style: chr7-21938965-T-A.
Other names: NM_001277115.2:c.13061T>A; short protein forms L4354H.
Identifiers: ClinVar variation 3776951 (VCV003776951.1).
Genomic context (GRCh38, chr7:21,899,347, plus strand): 5'-GGCTATTTTACTGAACAGCAAGTTTTTCTTCCTCCCTCCCATAAACCAGGTTCAATGACC[T>A]CCTCCTGCGATGCCGAGAACTCGATACTTGGACACAAGACCTTACCCTTCCGGCTGTCGT-3'
Protein context (NP_001264044.1, residues 4344-4364): TYGLAQWFND[Leu4354His]LLRCRELDTW